The following is an entry in ClinVar:

NM_000214.3(JAG1):c.622G>T (p.Gly208Ter)

Gene: JAG1 (jagged canonical Notch ligand 1; minus strand). Cytogenetic location: 20p12.2.
Variant type: single nucleotide variant.
Coding change: c.622G>T on transcript NM_000214.3 (MANE Select); coding-DNA position 622, G replaced by T.
Protein change: p.Gly208Ter; replaces glycine 208 with a stop codon.
Molecular consequence: nonsense.
Genome position (GRCh38, 1-based): chr20:10,658,540, C>A on the plus strand (G>T on the coding strand, the complement: JAG1 is on the minus strand). VCF-style: chr20-10658540-C-A. GRCh37 (hg19) VCF-style: chr20-10639188-C-A.
Other names: p.Gly208*; short protein forms G208*.
Identifiers: ClinVar variation 1353005 (VCV001353005.10), dbSNP rs2122623590, ClinGen allele CA408240055.

ClinVar aggregate classification (germline): Pathogenic. Review status: criteria provided, multiple submitters, no conflicts (2 of 4 stars). 2 submissions from 2 submitters: Pathogenic (2). Last evaluated 2021-05-28.

Conditions:
Alagille syndrome due to a JAG1 point mutation. Also called: HEPATIC DUCTULAR HYPOPLASIA, SYNDROMATIC; Alagille Syndrome 1; JAG1-Related Alagille Syndrome. Identifiers: Orphanet 261619, Orphanet 52, MedGen C1956125, MONDO:0016862, OMIM 118450.

Submissions (2):

Mayo Clinic Laboratories, Mayo Clinic
Classification: Pathogenic. Last evaluated: 2021-05-28. Review status: criteria provided, single submitter. Criteria: ACMG Guidelines, 2015. Collection method: clinical testing. Allele origin: germline.
Comment: PVS1, PM2, PP4

Labcorp Genetics (formerly Invitae), Labcorp
Classification: Pathogenic for Alagille syndrome due to a JAG1 point mutation. Last evaluated: 2021-02-03. Review status: criteria provided, single submitter. Criteria: Invitae Variant Classification Sherloc (09022015). Collection method: clinical testing. Allele origin: germline.
Comment: For these reasons, this variant has been classified as Pathogenic. This variant has not been reported in the literature in individuals with JAG1-related conditions. This variant is not present in population databases (ExAC no frequency). This sequence change creates a premature translational stop signal (p.Gly208*) in the JAG1 gene. It is expected to result in an absent or disrupted protein product. Loss-of-function variants in JAG1 are known to be pathogenic (PMID: 11180599).

Literature cited by the submitters: PubMed 11180599 (cited by Labcorp Genetics (formerly Invitae), Labcorp).